The following is an entry in ClinVar:

NM_001009944.3(PKD1):c.5305C>T (p.His1769Tyr)

Gene: PKD1 (polycystin 1, transient receptor potential channel interacting; minus strand). Cytogenetic location: 16p13.3.
Variant type: single nucleotide variant.
Coding change: c.5305C>T on transcript NM_001009944.3 (MANE Select); coding-DNA position 5305, C replaced by T.
Protein change: p.His1769Tyr; replaces histidine 1769 with tyrosine.
Molecular consequence: missense variant.
Genome position (GRCh38, 1-based): chr16:2,109,862, G>A on the plus strand (C>T on the coding strand, the complement: PKD1 is on the minus strand). VCF-style: chr16-2109862-G-A. GRCh37 (hg19) VCF-style: chr16-2159863-G-A.
Other names: c.5305C>T, p.His1769Tyr (NM_000296.4); short protein forms H1769Y.
Identifiers: ClinVar variation 3550146 (VCV003550146.4).

ClinVar aggregate classification (germline): Uncertain significance. Review status: criteria provided, multiple submitters, no conflicts (2 of 4 stars). 3 submissions from 3 submitters: Uncertain significance (3). Last evaluated 2025-04-22.

Conditions:
Polycystic kidney disease, adult type (PKD1). Also called: POLYCYSTIC KIDNEY DISEASE 1 WITH OR WITHOUT POLYCYSTIC LIVER DISEASE; POLYCYSTIC KIDNEY DISEASE, ADULT, TYPE I; Polycystic Kidney Disease 1, Autosomal Dominant; Polycystic kidney disease 1; Polycystic kidney disease 1, severe; Polycystic Kidney, Autosomal Dominant. Identifiers: MedGen C3149841, MONDO:0008263, OMIM 173900.

gnomAD v4.1: 21 of 1,610,558 alleles (0.0013%); highest among the groups gnomAD compares: Middle Eastern, 0.09%; no homozygotes.

Submissions (3):

Women's Health and Genetics/Laboratory Corporation of America, LabCorp
Classification: Uncertain significance. Last evaluated: 2025-04-22. Review status: criteria provided, single submitter. Criteria: LabCorp Variant Classification Summary - May 2015. Collection method: clinical testing. Allele origin: germline.
Comment: Variant summary: PKD1 c.5305C>T (p.His1769Tyr) results in a conservative amino acid change in the encoded protein sequence. Five of five in-silico tools predict a benign effect of the variant on protein function. The variant allele was found at a frequency of 2e-05 in 249230 control chromosomes (gnomAD). c.5305C>T has been observed in individuals affected with Autosomal Dominant Polycystic Kidney Disease (Ali_2015). The report does not provide unequivocal conclusions about association of the variant with PKD1-Biallelic Autosomal Recessive Polycystic Kidney Disease. To our knowledge, no experimental evidence demonstrating an impact on protein function has been reported. The following publications have been ascertained in the context of this evaluation (PMID: 25880449, 36755831). ClinVar contains an entry for this variant (Variation ID: 3550146). Based on the evidence outlined above, the variant was classified as uncertain significance.

GeneDx
Classification: Uncertain significance. Last evaluated: 2024-07-10. Review status: criteria provided, single submitter. Criteria: GeneDx Variant Classification Process June 2021. Collection method: clinical testing. Allele origin: germline. Affected: yes.
Comment: Observed with a pathogenic variant on the opposite allele (in trans) in an unrelated family in published literature; authors suggest p.(H1769Y) has a disease-modifying role leading to a more severe phenotype in individuals with both variants (PMID: 25880449); In silico analysis indicates that this missense variant does not alter protein structure/function; This variant is associated with the following publications: (PMID: 25880449)

Fulgent Genetics
Classification: Uncertain significance for Polycystic kidney disease, adult type. Last evaluated: 2024-04-04. Review status: criteria provided, single submitter. Criteria: ACMG Guidelines, 2015. Collection method: clinical testing. Allele origin: germline.

Literature cited by the submitters: PubMed 36755831 (cited by Women's Health and Genetics/Laboratory Corporation of America, LabCorp); PubMed 25880449 (cited by Women's Health and Genetics/Laboratory Corporation of America, LabCorp).